The following is an entry in ClinVar:

NM_000142.5(FGFR3):c.1135T>C (p.Tyr379His)

Gene: FGFR3 (fibroblast growth factor receptor 3; plus strand). Cytogenetic location: 4p16.3.
Variant type: single nucleotide variant.
Coding change: c.1135T>C on transcript NM_000142.5 (MANE Select); coding-DNA position 1135, T replaced by C.
Protein change: p.Tyr379His; replaces tyrosine 379 with histidine.
Molecular consequence: missense variant. On other transcripts: non-coding transcript variant (1), intron variant (1).
Genome position (GRCh38, 1-based): chr4:1,804,389, T>C. VCF-style: chr4-1804389-T-C. GRCh37 (hg19) VCF-style: chr4-1806116-T-C.
Other names: c.1141T>C, p.Tyr381His (NM_001163213.2); c.1135T>C, p.Tyr379His (NM_001354809.2, NM_001354810.2); c.931-435T>C (NM_022965.4); short protein forms Y379H, Y381H.
Identifiers: ClinVar variation 1720784 (VCV001720784.5), dbSNP rs2108797014, ClinGen allele CA355979006.

ClinVar aggregate classification (germline): Uncertain significance (1 of 4 stars; one submission).

Submission:

Labcorp Genetics (formerly Invitae), Labcorp
Classification: Uncertain significance. Last evaluated: 2022-10-04. Review status: criteria provided, single submitter. Criteria: Invitae Variant Classification Sherloc (09022015). Collection method: clinical testing. Allele origin: germline.
Comment: In summary, the available evidence is currently insufficient to determine the role of this variant in disease. Therefore, it has been classified as a Variant of Uncertain Significance. Advanced modeling of protein sequence and biophysical properties (such as structural, functional, and spatial information, amino acid conservation, physicochemical variation, residue mobility, and thermodynamic stability) has been performed at Invitae for this missense variant, however the output from this modeling did not meet the statistical confidence thresholds required to predict the impact of this variant on FGFR3 protein function. This variant has not been reported in the literature in individuals affected with FGFR3-related conditions. This variant is not present in population databases (gnomAD no frequency). This sequence change replaces tyrosine, which is neutral and polar, with histidine, which is basic and polar, at codon 379 of the FGFR3 protein (p.Tyr379His).